The following is an entry in ClinVar:

ClinVar aggregate classification (germline): Uncertain significance (1 of 4 stars; one submission).

Conditions:
Hypercholesterolemia, autosomal dominant, 3 (FHCL3). Also called: Familial Hypercholesterolemia, Autosomal Dominant, 3; PCSK9-Related Familial Hypercholesterolemia, Autosomal Dominant; Familial hypercholesterolemia 3. Identifiers: MedGen C1863551, MONDO:0011369, OMIM 603776.

Submission:

All of Us Research Program, National Institutes of Health
Classification: Uncertain significance for Hypercholesterolemia, autosomal dominant, 3. Last evaluated: 2023-05-04. Review status: criteria provided, single submitter. Criteria: ACMG Guidelines, 2015. Collection method: clinical testing. Allele origin: germline. Inheritance: Autosomal dominant inheritance. Observed: 1 variant allele, 1 heterozygote.
Comment: This missense variant replaces valine with leucine at codon 650 of the PCSK9 protein. Computational prediction suggests that this variant may not impact protein structure and function (internally defined REVEL score threshold <= 0.5, PMID: 27666373). To our knowledge, functional studies have not been reported for this variant. This variant has not been reported in individuals affected with PCSK9-related disorders in the literature. This variant has not been identified in the general population by the Genome Aggregation Database (gnomAD). The available evidence is insufficient to determine the role of this variant in disease conclusively. Therefore, this variant is classified as a Variant of Uncertain Significance.

This study involves interpretation of variants in research participants for the purpose of population health screening. Participant phenotype was not available at the time of variant classification. Additional details can be found in publication PMID: 35346344, PMCID: PMC8962531

NM_174936.4(PCSK9):c.1948G>T (p.Val650Leu)

Gene: PCSK9 (proprotein convertase subtilisin/kexin type 9; plus strand). Cytogenetic location: 1p32.3.
Variant type: single nucleotide variant.
Coding change: c.1948G>T on transcript NM_174936.4 (MANE Select); coding-DNA position 1948, G replaced by T.
Protein change: p.Val650Leu; replaces valine 650 with leucine.
Molecular consequence: missense variant. On other transcripts: non-coding transcript variant (8).
Genome position (GRCh38, 1-based): chr1:55,063,453, G>T. VCF-style: chr1-55063453-G-T. GRCh37 (hg19) VCF-style: chr1-55529126-G-T.
Other names: c.2071G>T, p.Val691Leu (NM_001407240.1); c.1990G>T, p.Val664Leu (NM_001407241.1); c.1951G>T, p.Val651Leu (NM_001407242.1); c.1891G>T, p.Val631Leu (NM_001407243.1); c.1774G>T, p.Val592Leu (NM_001407244.1); c.1756G>T, p.Val586Leu (NM_001407245.1); c.1573G>T, p.Val525Leu (NM_001407246.1); c.1447G>T, p.Val483Leu (NM_001407247.1); short protein forms V483L, V525L, V586L, V592L, V631L, V650L, V651L, V664L.
Identifiers: ClinVar variation 3070651 (VCV003070651.1), dbSNP rs767706622, ClinGen allele CA340480711.
Genomic context (GRCh38, chr1:55,063,453, plus strand): 5'-TGGACCCTGACTGGCTGCAGTGCCCTCCCTGGGACCTCCCACGTCCTGGGGGCCTACGCC[G>T]TAGACAACACGTGTGTAGTCAGGAGCCGGGACGTCAGCACTACAGGCAGCACCAGCGAAG-3'
Protein context (NP_777596.2, residues 640-660): GTSHVLGAYA[Val650Leu]DNTCVVRSRD